The following is an entry in ClinVar:

NM_000528.4(MAN2B1):c.1026+251T>C

Gene: MAN2B1 (mannosidase alpha class 2B member 1; minus strand). Cytogenetic location: 19p13.13.
Variant type: single nucleotide variant.
Coding change: c.1026+251T>C on transcript NM_000528.4 (MANE Select); 251 bases into the intron after coding-DNA position 1026, T replaced by C.
Molecular consequence: intron variant.
Genome position (GRCh38, 1-based): chr19:12,661,009, A>G on the plus strand (T>C on the coding strand, the complement: MAN2B1 is on the minus strand). VCF-style: chr19-12661009-A-G. GRCh37 (hg19) VCF-style: chr19-12771823-A-G.
Other names: c.1026+251T>C (NM_001173498.2).
Identifiers: ClinVar variation 684373 (VCV000684373.2), dbSNP rs8108316, ClinGen allele CA14655069.

ClinVar aggregate classification (germline): Benign. Review status: criteria provided, multiple submitters, no conflicts (2 of 4 stars). 2 submissions from 2 submitters: Benign (2). Last evaluated 2018-06-19.

Allele frequency attached by ClinVar (database versions not stated): 1000 Genomes Project 0.33187; gnomAD exomes 0.33263; 1000 Genomes Project 30x 0.34197; gnomAD 0.41476 and 0.42644; TOPMed 0.42030.
gnomAD v4.1: 149,032 of 409,922 alleles (36%); highest among the groups gnomAD compares: African/African-American, 56%; 30,304 homozygotes.

Submissions (2):

GeneDx
Classification: Benign. Last evaluated: 2018-06-19. Review status: criteria provided, single submitter. Criteria: GeneDx Variant Classification (06012015). Collection method: clinical testing. Allele origin: germline. Affected: yes.
Comment: This variant is considered likely benign or benign based on one or more of the following criteria: it is a conservative change, it occurs at a poorly conserved position in the protein, it is predicted to be benign by multiple in silico algorithms, and/or has population frequency not consistent with disease.

Breakthrough Genomics
Classification: Benign. Review status: criteria provided, single submitter. Criteria: ACMG Guidelines, 2015. Collection method: not provided. Allele origin: germline. Inheritance: Autosomal recessive inheritance. Affected: yes.